The following is an entry in ClinVar:

NR_126059.1(LINC01560):n.904C>T

Gene: LINC01560 (long independently transcribed non-coding RNA 1560; plus strand). Cytogenetic location: Xp11.3.
Variant type: single nucleotide variant.
Molecular consequence: non-coding transcript variant (on NR_126059.1).
Genome position: GRCh38 VCF-style: chrX-47483619-C-T. GRCh37 (hg19) VCF-style: chrX-47343018-C-T.
Identifiers: ClinVar variation 2660425 (VCV002660425.24), dbSNP rs754265143, ClinGen allele CA10397891.

ClinVar aggregate classification (germline): Likely benign (1 of 4 stars; one submission).

Allele frequency attached by ClinVar (database versions not stated): TOPMed below 0.00001; gnomAD 0.00001; gnomAD exomes 0.00001; 1000 Genomes Project 30x 0.00021; ExAC 0.00021; 1000 Genomes Project 0.00026.

Submission:

CeGaT Center for Human Genetics Tuebingen
Classification: Likely benign. Last evaluated: 2022-09-01. Review status: criteria provided, single submitter. Criteria: CeGaT Center For Human Genetics Tuebingen Variant Classification Criteria Version 2. Collection method: clinical testing. Allele origin: germline. Affected: yes. Observed: 1 variant allele.
Comment: LINC01560: BP4, BP7